The following is an entry in ClinVar:

NM_005960.2(MUC3A):c.7131T>C (p.Ser2377=)

Gene: MUC3A (mucin 3A, cell surface associated; plus strand). Cytogenetic location: 7q22.1.
Variant type: single nucleotide variant.
Coding change: c.7131T>C on transcript NM_005960.2 (MANE Select); coding-DNA position 7131, T replaced by C.
Protein change: p.Ser2377=; no amino-acid change (serine 2377 retained).
Molecular consequence: synonymous variant.
Genome position (GRCh38, 1-based): chr7:100,958,910, T>C. VCF-style: chr7-100958910-T-C. GRCh37 (hg19) VCF-style: chr7-100551039-T-C.
Identifiers: ClinVar variation 2657785 (VCV002657785.24), dbSNP rs796699917, ClinGen allele CA163307696.

ClinVar aggregate classification (germline): Likely benign (1 of 4 stars; one submission).

Submission:

CeGaT Center for Human Genetics Tuebingen
Classification: Likely benign. Last evaluated: 2023-09-01. Review status: criteria provided, single submitter. Criteria: CeGaT Center For Human Genetics Tuebingen Variant Classification Criteria Version 2. Collection method: clinical testing. Allele origin: germline. Affected: yes. Observed: 2 variant alleles.
Comment: MUC3A: PM2:Supporting, BP4, BP7